The following is an entry in ClinVar:

NM_002528.7(NTHL1):c.899C>A (p.Ala300Asp)

Gene: NTHL1 (nth like DNA glycosylase 1; minus strand). Cytogenetic location: 16p13.3.
Variant type: single nucleotide variant.
Coding change: c.899C>A on transcript NM_002528.7 (MANE Select); coding-DNA position 899, C replaced by A.
Protein change: p.Ala300Asp; replaces alanine 300 with aspartic acid.
Molecular consequence: missense variant.
Genome position (GRCh38, 1-based): chr16:2,039,940, G>T on the plus strand (C>A on the coding strand, the complement: NTHL1 is on the minus strand). VCF-style: chr16-2039940-G-T. GRCh37 (hg19) VCF-style: chr16-2089941-G-T.
Other names: c.923C>A (NM_002528.5); c.728C>A, p.Ala243Asp (NM_001318193.2); c.569C>A, p.Ala190Asp (NM_001318194.2); short protein forms A190D, A300D, A243D.
Identifiers: ClinVar variation 1954255 (VCV001954255.8), dbSNP rs2150937757, ClinGen allele CA394286994.

ClinVar aggregate classification (germline): Uncertain significance. Review status: criteria provided, multiple submitters, no conflicts (2 of 4 stars). 3 submissions from 3 submitters: Uncertain significance (3). Last evaluated 2026-01-18.

Conditions:
Familial adenomatous polyposis 3. Also called: NTHL1 Tumor Syndrome; NTHL1-related attenuated familial adenomatous polyposis; NTHL1-associated polyposis; NTHL1-Related Adenomatous Polyposis and Colorectal Cancer. Identifiers: Orphanet 220460, Orphanet 454840, MedGen C4225157, MONDO:0014630, OMIM 616415.
Hereditary cancer-predisposing syndrome. Also called: Hereditary neoplastic syndrome; Neoplastic Syndromes, Hereditary; Tumor predisposition; Hereditary Cancer Syndrome. Identifiers: Orphanet 140162, MedGen C0027672, MeSH D009386, MONDO:0015356.

Submissions (3):

Labcorp Genetics (formerly Invitae), Labcorp
Classification: Uncertain significance. Last evaluated: 2026-01-18. Review status: criteria provided, single submitter. Criteria: Invitae Variant Classification Sherloc (09022015). Collection method: clinical testing. Allele origin: germline.
Comment: This sequence change replaces alanine, which is neutral and non-polar, with aspartic acid, which is acidic and polar, at codon 308 of the NTHL1 protein (p.Ala308Asp). This variant is not present in population databases (gnomAD no frequency). This variant has not been reported in the literature in individuals affected with NTHL1-related conditions. ClinVar contains an entry for this variant (Variation ID: 1954255). An algorithm developed to predict the effect of missense changes on protein structure and function (PolyPhen-2) suggests that this variant is likely to be tolerated. In summary, the available evidence is currently insufficient to determine the role of this variant in disease. Therefore, it has been classified as a Variant of Uncertain Significance.

Baylor Genetics
Classification: Uncertain significance for Familial adenomatous polyposis 3. Last evaluated: 2023-09-29. Review status: criteria provided, single submitter. Criteria: ACMG Guidelines, 2015. Collection method: clinical testing. Allele origin: unknown.

Ambry Genetics
Classification: Uncertain significance for Hereditary cancer-predisposing syndrome. Last evaluated: 2023-06-01. Review status: criteria provided, single submitter. Criteria: Ambry Variant Classification Scheme 2023. Collection method: clinical testing. Allele origin: germline.
Comment: The p.A308D variant (also known as c.923C>A), located in coding exon 6 of the NTHL1 gene, results from a C to A substitution at nucleotide position 923. The alanine at codon 308 is replaced by aspartic acid, an amino acid with dissimilar properties. This amino acid position is conserved. In addition, the in silico prediction for this alteration is inconclusive. Since supporting evidence is limited at this time, the clinical significance of this alteration remains unclear.